The following is an entry in ClinVar:

ClinVar aggregate classification (germline): Uncertain significance (1 of 4 stars; one submission).

Conditions:
Aicardi-Goutieres syndrome 5. Identifiers: Orphanet 51, MedGen C2749659, MONDO:0013059, OMIM 612952.

Allele frequency attached by ClinVar (database versions not stated): gnomAD 0.00001.
gnomAD v4.1: 1 of 1,614,088 alleles (0.000062%); highest among the groups gnomAD compares: African/African-American, 0.0013%; no homozygotes.

Submission:

Labcorp Genetics (formerly Invitae), Labcorp
Classification: Uncertain significance for Aicardi-Goutieres syndrome 5. Last evaluated: 2021-09-01. Review status: criteria provided, single submitter. Criteria: Invitae Variant Classification Sherloc (09022015). Collection method: clinical testing. Allele origin: germline.
Comment: This sequence change replaces proline with alanine at codon 47 of the SAMHD1 protein (p.Pro47Ala). The proline residue is weakly conserved and there is a small physicochemical difference between proline and alanine. This variant is not present in population databases (ExAC no frequency). This variant has not been reported in the literature in individuals affected with SAMHD1-related conditions. Algorithms developed to predict the effect of missense changes on protein structure and function (SIFT, PolyPhen-2, Align-GVGD) all suggest that this variant is likely to be tolerated. In summary, the available evidence is currently insufficient to determine the role of this variant in disease. Therefore, it has been classified as a Variant of Uncertain Significance.

NM_015474.4(SAMHD1):c.139C>G (p.Pro47Ala)

Gene: SAMHD1 (SAM and HD domain containing deoxynucleoside triphosphate triphosphohydrolase 1; minus strand). Cytogenetic location: 20q11.23.
Variant type: single nucleotide variant.
Coding change: c.139C>G on transcript NM_015474.4 (MANE Select); coding-DNA position 139, C replaced by G.
Protein change: p.Pro47Ala; replaces proline 47 with alanine.
Molecular consequence: missense variant.
Genome position (GRCh38, 1-based): chr20:36,951,505, G>C on the plus strand (C>G on the coding strand, the complement: SAMHD1 is on the minus strand). VCF-style: chr20-36951505-G-C. GRCh37 (hg19) VCF-style: chr20-35579908-G-C.
Other names: c.139C>G, p.Pro47Ala (NM_001363729.2, NM_001363733.2); short protein forms P47A.
Identifiers: ClinVar variation 2201247 (VCV002201247.1), dbSNP rs764432841, ClinGen allele CA408832224.
Genomic context (GRCh38, chr20:36,951,505, plus strand): 5'-TCTTCAGCAGCACCGGCTCTTCAAAGCCACCGCGCCTGAGGAAGGAGCACACCTGCTCCG[G>C]ACCCCATGTCTTGTAGTCGGGATGGAGTTCCAGGCCCGGGGACCAGTCTGCCTCTGCGGA-3'
Protein context (NP_056289.2, residues 37-57): ELHPDYKTWG[Pro47Ala]EQVCSFLRRG